The following is an entry in ClinVar:

ClinVar aggregate classification (germline): Benign. Review status: criteria provided, multiple submitters, no conflicts (2 of 4 stars). 8 submissions from 8 submitters: Benign (5). 3 of the submissions do not count toward it. Last evaluated 2026-02-04.

Conditions:
Weill-Marchesani syndrome 1 (WMS1). Also called: Weill-Marchesani syndrome 1, recessive; ADAMTS10-Related Weill-Marchesani Syndrome; Weill-Marchesani Syndrome, Autosomal Recessive. Identifiers: Orphanet 3449, MedGen C4552002, MONDO:0010194, OMIM 277600.
Weill-Marchesani syndrome. Also called: WM Syndrome; Mesodermal dysmorphodystrophy congenital. Identifiers: Orphanet 3449, MedGen C0265313, MONDO:0018096.

Allele frequency attached by ClinVar (database versions not stated): gnomAD 0.79500 and 0.80146; TOPMed 0.81281; 1000 Genomes Project 30x 0.89694.

Submissions (8):

Labcorp Genetics (formerly Invitae), Labcorp
Classification: Benign. Last evaluated: 2026-02-04. Review status: criteria provided, single submitter. Criteria: Invitae Variant Classification Sherloc (09022015). Collection method: clinical testing. Allele origin: germline.

Blueprint Genetics
Classification: Benign. Last evaluated: 2024-11-28. Review status: criteria provided, single submitter. Criteria: ACMG Guidelines, 2015. Collection method: clinical testing. Allele origin: germline.

Genome-Nilou Lab
Classification: Benign for Weill-Marchesani syndrome 1. Last evaluated: 2021-07-14. Review status: criteria provided, single submitter. Criteria: ACMG Guidelines, 2015. Collection method: clinical testing. Allele origin: germline. Affected: no.

Illumina Laboratory Services, Illumina
Classification: Benign for Weill-Marchesani syndrome. Last evaluated: 2018-01-13. Review status: criteria provided, single submitter. Criteria: ICSL Variant Classification Criteria 13 December 2019. Collection method: clinical testing. Allele origin: germline.
Comment: This variant was observed in the ICSL laboratory as part of a predisposition screen in an ostensibly healthy population. It had not been previously curated by ICSL or reported in the Human Gene Mutation Database (HGMD: prior to June 1st, 2018), and was therefore a candidate for classification through an automated scoring system. Utilizing variant allele frequency, disease prevalence and penetrance estimates, and inheritance mode, an automated score was calculated to assess if this variant is too frequent to cause the disease. Based on the score and internal cut-off values, a variant classified as benign is not then subjected to further curation. The score for this variant resulted in a classification of benign for this disease.

Breakthrough Genomics
Classification: Benign. Review status: criteria provided, single submitter. Criteria: ACMG Guidelines, 2015. Collection method: not provided. Allele origin: germline. Inheritance: Autosomal recessive inheritance. Affected: yes.

Diagnostic Laboratory, Department of Genetics, University Medical Center Groningen
Classification: Benign. Review status: no assertion criteria provided. Collection method: clinical testing. Allele origin: germline. Affected: yes. Study: VKGL Data-share Consensus. Not counted in ClinVar's aggregate classification.

Genome Diagnostics Laboratory, Amsterdam University Medical Center
Classification: Benign. Review status: no assertion criteria provided. Collection method: clinical testing. Allele origin: germline. Affected: yes. Study: VKGL Data-share Consensus. Not counted in ClinVar's aggregate classification.

Joint Genome Diagnostic Labs from Nijmegen and Maastricht, Radboudumc and MUMC+
Classification: Benign. Review status: no assertion criteria provided. Collection method: clinical testing. Allele origin: germline. Affected: yes. Study: VKGL Data-share Consensus. Not counted in ClinVar's aggregate classification.

NM_030957.4(ADAMTS10):c.401= (p.Ser134=)

Gene: ADAMTS10 (ADAM metallopeptidase with thrombospondin type 1 motif 10; minus strand). Cytogenetic location: 19p13.2.
Variant type: single nucleotide variant.
Coding change: c.401= on transcript NM_030957.4 (MANE Select); coding-DNA position 401, no change from the reference sequence.
Protein change: p.Ser134=; no amino-acid change (serine 134 retained).
Molecular consequence: no sequence alteration.
Genome position: GRCh38 VCF-style: chr19-8605046-C-C. GRCh37 (hg19) VCF-style: chr19-8669931-G-C.
Identifiers: ClinVar variation 330610 (VCV000330610.26), dbSNP rs7255721.
Genomic context (GRCh38, chr19:8,605,046, plus strand): 5'-CCCGCGTTCCAGAATCCTCAGCTCACCAGGCCTCCACAGGTGCTGATGGCCACATGGGAG[C=]TGCTGGCCTGGCCCTGCAGGTGACCAGCGTAGAGGCAGTGGGGCCGGGCCGCCCTCTGCC-3'
Protein context (NP_112219.3, residues 124-144): YAGHLQGQAS[Ser134=]SHVAISTCGG